The following is an entry in ClinVar:

NM_014363.6(SACS):c.1346del (p.Pro449fs)

Gene: SACS (sacsin molecular chaperone; minus strand). Cytogenetic location: 13q12.12.
Variant type: Deletion.
Coding change: c.1346del on transcript NM_014363.6 (MANE Select); coding-DNA position 1346, one base deleted (C; older notation c.1346delC).
Protein change: p.Pro449fs; shifts the reading frame from proline 449.
Molecular consequence: frameshift variant.
Genome position (GRCh38, 1-based): chr13:23,355,266, G deleted on the plus strand (C on the coding strand, the reverse complement: SACS is on the minus strand); the first of 2 consecutive G bases (chr13:23,355,266-23,355,267); deleting either gives the same sequence. VCF-style (leftmost placement, unchanged base first): chr13-23355265-AG-A. GRCh37 (hg19) VCF-style: chr13-23929404-AG-A.
Other names: c.905del, p.Pro302fs (NM_001278055.2); short protein forms P449fs, P302fs.
Identifiers: ClinVar variation 2086712 (VCV002086712.4), dbSNP rs2542397575, ClinGen allele CA2580086859.

ClinVar aggregate classification (germline): Pathogenic (1 of 4 stars; one submission).

Conditions:
Spastic paraplegia. Identifiers: MedGen C0037772, HP:0001258.

Submission:

Labcorp Genetics (formerly Invitae), Labcorp
Classification: Pathogenic for Spastic paraplegia. Last evaluated: 2022-01-17. Review status: criteria provided, single submitter. Criteria: Invitae Variant Classification Sherloc (09022015). Collection method: clinical testing. Allele origin: germline.
Comment: For these reasons, this variant has been classified as Pathogenic. This variant has not been reported in the literature in individuals affected with SACS-related conditions. This variant is not present in population databases (gnomAD no frequency). This sequence change creates a premature translational stop signal (p.Pro449Leufs*29) in the SACS gene. It is expected to result in an absent or disrupted protein product. Loss-of-function variants in SACS are known to be pathogenic (PMID: 18465152, 20876471).

Literature cited by the submitters: PubMed 18465152; PubMed 20876471.